The following is an entry in ClinVar:

ClinVar aggregate classification (germline): Conflicting classifications of pathogenicity. Review status: criteria provided, conflicting classifications (1 of 4 stars). 11 submissions from 7 submitters: Uncertain significance (6); Benign (2); Likely benign (3). Last evaluated 2026-04-01.

Conditions:
TTN-related disorder. Also called: TTN-related condition; TTN-related disease; TTN-related disorders.
Cardiomyopathy (CMYO). Also called: Cardiomyopathies. Identifiers: Orphanet 167848, MedGen C0878544, MONDO:0004994, HP:0001638. Inheritance: Various modes of inheritance.
Early-onset myopathy with fatal cardiomyopathy (CMYO5). Also called: Salih Myopathy; CONGENITAL MYOPATHY 5 WITH CARDIOMYOPATHY. Identifiers: Orphanet 289377, MedGen C2673677, MONDO:0012714, OMIM 611705. Disease mechanism: loss of function.
Dilated cardiomyopathy 1G (CMD1G). Identifiers: Orphanet 154, MedGen C1858763, MONDO:0011400, OMIM 604145.
Myopathy, myofibrillar, 9, with early respiratory failure (MFM9). Also called: EDSTROM MYOPATHY; MYOPATHY, PROXIMAL, WITH EARLY RESPIRATORY MUSCLE INVOLVEMENT; Myopathy, distal, with early respiratory failure, autosomal dominant; Hereditary myopathy with early respiratory failure. Identifiers: Orphanet 178464, Orphanet 34521, MedGen C1863599, MONDO:0011362, OMIM 603689.
Autosomal recessive limb-girdle muscular dystrophy type 2J (LGMDR10). Also called: Limb-girdle muscular dystrophy, type 2J; MUSCULAR DYSTROPHY, LIMB-GIRDLE, AUTOSOMAL RECESSIVE 10. Identifiers: Orphanet 140922, MedGen C1837342, MONDO:0012127, OMIM 608807.
Tibial muscular dystrophy (TMD). Also called: Tibial muscular dystrophy, tardive; UDD MYOPATHY; Udd Distal Myopathy – Tibial Muscular Dystrophy. Identifiers: Orphanet 609, MedGen C1838244, MONDO:0010870, OMIM 600334.

Allele frequency attached by ClinVar (database versions not stated): gnomAD 0.00006 and 0.00009; gnomAD exomes 0.00007 and 0.00012; TOPMed 0.00011; ExAC 0.00014.
gnomAD v4.1: 119 of 1,611,388 alleles (0.0074%); highest among the groups gnomAD compares: East Asian, 0.071%; no homozygotes.

Submissions (11):

CeGaT Center for Human Genetics Tuebingen
Classification: Uncertain significance. Last evaluated: 2026-04-01. Review status: criteria provided, single submitter. Criteria: CeGaT Center For Human Genetics Tuebingen Variant Classification Criteria Version 2. Collection method: clinical testing. Allele origin: germline. Affected: yes. Observed: 2 variant alleles.

PreventionGenetics, part of Exact Sciences
Classification: Uncertain significance for TTN-related condition. Last evaluated: 2025-03-19. Review status: criteria provided, single submitter. Criteria: ACMG Guidelines, 2015. Collection method: clinical testing. Allele origin: germline.
Comment: The TTN c.31441A>G variant is predicted to result in the amino acid substitution p.Thr10481Ala. To our knowledge, this variant has not been reported in the literature. This variant is reported in 0.062% of alleles in individuals of East Asian descent in gnomAD. At this time, the clinical significance of this variant is uncertain due to the absence of conclusive functional and genetic evidence.

Blueprint Genetics
Classification: Likely benign. Last evaluated: 2024-09-10. Review status: criteria provided, single submitter. Criteria: ACMG Guidelines, 2015. Collection method: clinical testing. Allele origin: germline.

CHEO Genetics Diagnostic Laboratory, Children's Hospital of Eastern Ontario
Classification: Likely benign for Cardiomyopathy. Last evaluated: 2018-03-15. Review status: criteria provided, single submitter. Criteria: ACMG Guidelines, 2015. Collection method: clinical testing. Allele origin: germline.

Illumina Laboratory Services, Illumina
Classification: Benign for Tibial muscular dystrophy. Last evaluated: 2018-01-13. Review status: criteria provided, single submitter. Criteria: ICSL Variant Classification Criteria 13 December 2019. Collection method: clinical testing. Allele origin: germline.
Comment: This variant was observed in the ICSL laboratory as part of a predisposition screen in an ostensibly healthy population. It had not been previously curated by ICSL or reported in the Human Gene Mutation Database (HGMD: prior to June 1st, 2018), and was therefore a candidate for classification through an automated scoring system. Utilizing variant allele frequency, disease prevalence and penetrance estimates, and inheritance mode, an automated score was calculated to assess if this variant is too frequent to cause the disease. Based on the score and internal cut-off values, a variant classified as benign is not then subjected to further curation. The score for this variant resulted in a classification of benign for this disease.

Illumina Laboratory Services, Illumina
Classification: Uncertain significance for Autosomal recessive limb-girdle muscular dystrophy type 2J. Last evaluated: 2018-01-13. Review status: criteria provided, single submitter. Criteria: ICSL Variant Classification Criteria 13 December 2019. Collection method: clinical testing. Allele origin: germline.

Illumina Laboratory Services, Illumina
Classification: Uncertain significance for Early-onset myopathy with fatal cardiomyopathy. Last evaluated: 2018-01-13. Review status: criteria provided, single submitter. Criteria: ICSL Variant Classification Criteria 13 December 2019. Collection method: clinical testing. Allele origin: germline.

Illumina Laboratory Services, Illumina
Classification: Uncertain significance for Dilated cardiomyopathy 1G. Last evaluated: 2018-01-13. Review status: criteria provided, single submitter. Criteria: ICSL Variant Classification Criteria 13 December 2019. Collection method: clinical testing. Allele origin: germline.

Illumina Laboratory Services, Illumina
Classification: Benign for Myopathy, myofibrillar, 9, with early respiratory failure. Last evaluated: 2018-01-13. Review status: criteria provided, single submitter. Criteria: ICSL Variant Classification Criteria 13 December 2019. Collection method: clinical testing. Allele origin: germline.
Comment: the same text as in the submission from Illumina Laboratory Services, Illumina above.

Eurofins Ntd Llc (ga)
Classification: Uncertain significance. Last evaluated: 2017-09-22. Review status: criteria provided, single submitter. Criteria: EGL Classification Definitions 2015. Collection method: clinical testing. Allele origin: germline. Observed: 1 variant allele, 1 heterozygote.

GeneDx
Classification: Likely benign. Last evaluated: 2017-06-27. Review status: criteria provided, single submitter. Criteria: GeneDx Variant Classification (06012015). Collection method: clinical testing. Allele origin: germline. Affected: yes.
Comment: This variant is considered likely benign or benign based on one or more of the following criteria: it is a conservative change, it occurs at a poorly conserved position in the protein, it is predicted to be benign by multiple in silico algorithms, and/or has population frequency not consistent with disease.

NM_001267550.2(TTN):c.31441A>G (p.Thr10481Ala)

Gene: TTN (titin; minus strand). Cytogenetic location: 2q31.2.
Variant type: single nucleotide variant.
Coding change: c.31441A>G on transcript NM_001267550.2 (MANE Select); coding-DNA position 31441, A replaced by G.
Protein change: p.Thr10481Ala; replaces threonine 10481 with alanine.
Molecular consequence: missense variant. On other transcripts: intron variant (3).
Genome position (GRCh38, 1-based): chr2:178,693,994, T>C on the plus strand (A>G on the coding strand, the complement: TTN is on the minus strand). VCF-style: chr2-178693994-T-C. GRCh37 (hg19) VCF-style: chr2-179558721-T-C.
Other names: p.T10164A:ACA>GCA; c.30490A>G, p.Thr10164Ala (NM_001256850.1); c.27709A>G, p.Thr9237Ala (NM_133378.4); c.13282+44088A>G (NM_003319.4); c.13858+44088A>G (NM_133437.4); c.13657+44088A>G (NM_133432.3); short protein forms T10164A, T10481A, T9237A.
Identifiers: ClinVar variation 202562 (VCV000202562.20), dbSNP rs370208651, ClinGen allele CA309596.